The following is an entry in ClinVar:

NM_021008.4(DEAF1):c.979G>A (p.Ala327Thr)

Gene: DEAF1 (DEAF1 transcription factor; minus strand). Cytogenetic location: 11p15.5.
Variant type: single nucleotide variant.
Coding change: c.979G>A on transcript NM_021008.4 (MANE Select); coding-DNA position 979, G replaced by A.
Protein change: p.Ala327Thr; replaces alanine 327 with threonine.
Molecular consequence: missense variant. On other transcripts: intron variant (1).
Genome position (GRCh38, 1-based): chr11:680,981, C>T on the plus strand (G>A on the coding strand, the complement: DEAF1 is on the minus strand). VCF-style: chr11-680981-C-T. GRCh37 (hg19) VCF-style: chr11-680981-C-T.
Other names: c.253G>A, p.Ala85Thr (NM_001367390.1, NM_001440885.1, NM_001440886.1 and 1 more transcripts); c.979G>A, p.Ala327Thr (NM_001440883.1, NM_001440884.1); c.731-1165G>A (NM_001293634.2); short protein forms A327T, A85T.
Identifiers: ClinVar variation 976209 (VCV000976209.12), dbSNP rs574194648, ClinGen allele CA5786379.

ClinVar aggregate classification (germline): Conflicting classifications of pathogenicity. Review status: criteria provided, conflicting classifications (1 of 4 stars). 4 submissions from 4 submitters: Uncertain significance (3); Likely benign (1). Last evaluated 2025-06-20.

Conditions:
Intellectual disability, autosomal dominant 24 (VSVS). Also called: VULTO-VAN SILFHOUT-DE VRIES SYNDROME. Identifiers: MedGen C4014414, MONDO:0014357, OMIM 615828.
Inborn genetic diseases. Identifiers: MedGen C0950123, MeSH D030342.

Allele frequency attached by ClinVar (database versions not stated): gnomAD exomes 0.00003; 1000 Genomes Project 30x 0.00016; 1000 Genomes Project 0.00020.
gnomAD v4.1: 53 of 1,614,136 alleles (0.0033%); highest among the groups gnomAD compares: South Asian, 0.048%; no homozygotes.

Submissions (4):

Labcorp Genetics (formerly Invitae), Labcorp
Classification: Uncertain significance. Last evaluated: 2025-06-20. Review status: criteria provided, single submitter. Criteria: Invitae Variant Classification Sherloc (09022015). Collection method: clinical testing. Allele origin: germline.
Comment: This sequence change replaces alanine, which is neutral and non-polar, with threonine, which is neutral and polar, at codon 327 of the DEAF1 protein (p.Ala327Thr). This variant is present in population databases (rs574194648, gnomAD 0.06%). This variant has not been reported in the literature in individuals affected with DEAF1-related conditions. ClinVar contains an entry for this variant (Variation ID: 976209). Invitae Evidence Modeling of protein sequence and biophysical properties (such as structural, functional, and spatial information, amino acid conservation, physicochemical variation, residue mobility, and thermodynamic stability) has been performed for this missense variant. However, the output from this modeling did not meet the statistical confidence thresholds required to predict the impact of this variant on DEAF1 protein function. In summary, the available evidence is currently insufficient to determine the role of this variant in disease. Therefore, it has been classified as a Variant of Uncertain Significance.

GeneDx
Classification: Uncertain significance. Last evaluated: 2024-02-28. Review status: criteria provided, single submitter. Criteria: GeneDx Variant Classification Process June 2021. Collection method: clinical testing. Allele origin: germline. Affected: yes.
Comment: In silico analysis supports that this missense variant does not alter protein structure/function; Has not been previously published as pathogenic or benign to our knowledge

Ambry Genetics
Classification: Likely benign for Inborn genetic diseases. Last evaluated: 2023-10-30. Review status: criteria provided, single submitter. Criteria: Ambry Variant Classification Scheme 2023. Collection method: clinical testing. Allele origin: germline.

Institute of Human Genetics, University of Leipzig Medical Center
Classification: Uncertain significance for Intellectual disability, autosomal dominant 24. Last evaluated: 2017-07-10. Review status: criteria provided, single submitter. Criteria: ACMG Guidelines, 2015. Collection method: clinical testing. Allele origin: germline. Affected: yes. Observed: 1 variant allele.